The following is an entry in ClinVar:

NM_025150.5(TARS2):c.1739G>A (p.Arg580His)

Gene: TARS2 (threonyl-tRNA synthetase 2, mitochondrial; plus strand). Cytogenetic location: 1q21.2.
Variant type: single nucleotide variant.
Coding change: c.1739G>A on transcript NM_025150.5 (MANE Select); coding-DNA position 1739, G replaced by A.
Protein change: p.Arg580His; replaces arginine 580 with histidine.
Molecular consequence: missense variant. On other transcripts: non-coding transcript variant (2).
Genome position (GRCh38, 1-based): chr1:150,504,652, G>A. VCF-style: chr1-150504652-G-A. GRCh37 (hg19) VCF-style: chr1-150477128-G-A.
Other names: c.1493G>A, p.Arg498His (NM_001271895.2); c.1349G>A, p.Arg450His (NM_001271896.2); short protein forms R450H, R498H, R580H.
Identifiers: ClinVar variation 1964513 (VCV001964513.5), dbSNP rs769006957, ClinGen allele CA1077141.

ClinVar aggregate classification (germline): Uncertain significance (1 of 4 stars; one submission).

Allele frequency attached by ClinVar (database versions not stated): ExAC 0.00001; gnomAD exomes 0.00001; TOPMed 0.00001.
gnomAD v4.1: 18 of 1,613,772 alleles (0.0011%); highest among the groups gnomAD compares: South Asian, 0.0044%; no homozygotes.

Submission:

Labcorp Genetics (formerly Invitae), Labcorp
Classification: Uncertain significance. Last evaluated: 2023-07-10. Review status: criteria provided, single submitter. Criteria: Invitae Variant Classification Sherloc (09022015). Collection method: clinical testing. Allele origin: germline.
Comment: Advanced modeling of protein sequence and biophysical properties (such as structural, functional, and spatial information, amino acid conservation, physicochemical variation, residue mobility, and thermodynamic stability) performed at Invitae indicates that this missense variant is not expected to disrupt TARS2 protein function. ClinVar contains an entry for this variant (Variation ID: 1964513). This variant has not been reported in the literature in individuals affected with TARS2-related conditions. This variant is present in population databases (rs769006957, gnomAD 0.006%). This sequence change replaces arginine, which is basic and polar, with histidine, which is basic and polar, at codon 580 of the TARS2 protein (p.Arg580His). In summary, the available evidence is currently insufficient to determine the role of this variant in disease. Therefore, it has been classified as a Variant of Uncertain Significance.